The following is an entry in ClinVar:

NM_005639.3(SYT1):c.1258G>A (p.Val420Ile)

Gene: SYT1 (synaptotagmin 1; plus strand). Cytogenetic location: 12q21.2.
Variant type: single nucleotide variant.
Coding change: c.1258G>A on transcript NM_005639.3 (MANE Select); coding-DNA position 1258, G replaced by A.
Protein change: p.Val420Ile; replaces valine 420 with isoleucine.
Molecular consequence: missense variant.
Genome position (GRCh38, 1-based): chr12:79,449,113, G>A. VCF-style: chr12-79449113-G-A. GRCh37 (hg19) VCF-style: chr12-79842893-G-A.
Other names: c.1258G>A, p.Val420Ile (NM_001135805.2, NM_001135806.2, NM_001415938.1 and 2 more transcripts); c.1249G>A, p.Val417Ile (NM_001291901.2, NM_001415941.1, NM_001415942.1 and 1 more transcripts); short protein forms V417I, V420I.
Identifiers: ClinVar variation 2643187 (VCV002643187.25), dbSNP rs61756211, ClinGen allele CA6699003.

ClinVar aggregate classification (germline): Likely benign. Review status: criteria provided, multiple submitters, no conflicts (2 of 4 stars). 2 submissions from 2 submitters: Likely benign (2). Last evaluated 2026-09-01.

Allele frequency attached by ClinVar (database versions not stated): ESP Exome Variant Server 0.00115; TOPMed 0.00190; gnomAD 0.00194; gnomAD exomes 0.00287; ExAC 0.00316.
gnomAD v4.1: 4,461 of 1,609,670 alleles (0.28%); highest among the groups gnomAD compares: Middle Eastern, 0.38%; 14 homozygotes.

Submissions (2):

CeGaT Center for Human Genetics Tuebingen
Classification: Likely benign. Last evaluated: 2026-09-01. Review status: criteria provided, single submitter. Criteria: CeGaT Center For Human Genetics Tuebingen Variant Classification Criteria Version 2. Collection method: clinical testing. Allele origin: germline. Affected: yes. Observed: 12 variant alleles.
Comment: SYT1: PP2, BP4, BS2

Blueprint Genetics
Classification: Likely benign. Last evaluated: 2024-11-25. Review status: criteria provided, single submitter. Criteria: ACMG Guidelines, 2015. Collection method: clinical testing. Allele origin: germline.